The following is an entry in ClinVar:

ClinVar aggregate classification (germline): Uncertain significance (1 of 4 stars; one submission).

Conditions:
CELSR1-related disorder. Also called: CELSR1-related condition.

Allele frequency attached by ClinVar (database versions not stated): gnomAD exomes below 0.00001.
gnomAD v4.1: 1 of 1,613,440 alleles (0.000062%); highest among the groups gnomAD compares: African/African-American, 0.0013%; no homozygotes.

Submission:

PreventionGenetics, part of Exact Sciences
Classification: Uncertain significance for CELSR1-related condition. Last evaluated: 2023-02-04. Review status: criteria provided, single submitter. Criteria: ACMG Guidelines, 2015. Collection method: clinical testing. Allele origin: germline.
Comment: The CELSR1 c.1598G>T variant is predicted to result in the amino acid substitution p.Ser533Ile. To our knowledge, this variant has not been reported in the literature or in a large population database, indicating this variant is rare. At this time, the clinical significance of this variant is uncertain due to the absence of conclusive functional and genetic evidence.

NM_001378328.1(CELSR1):c.1598G>T (p.Ser533Ile)

Gene: CELSR1 (cadherin EGF LAG seven-pass G-type receptor 1; minus strand). Cytogenetic location: 22q13.31.
Variant type: single nucleotide variant.
Coding change: c.1598G>T on transcript NM_001378328.1 (MANE Select); coding-DNA position 1598, G replaced by T.
Protein change: p.Ser533Ile; replaces serine 533 with isoleucine.
Molecular consequence: missense variant.
Genome position (GRCh38, 1-based): chr22:46,535,573, C>A on the plus strand (G>T on the coding strand, the complement: CELSR1 is on the minus strand). VCF-style: chr22-46535573-C-A. GRCh37 (hg19) VCF-style: chr22-46931470-C-A.
Other names: c.1598G>T, p.Ser533Ile (NM_014246.4); short protein forms S533I.
Identifiers: ClinVar variation 2630573 (VCV002630573.1), dbSNP rs2518410577, ClinGen allele CA411949497.
Genomic context (GRCh38, chr22:46,535,573, plus strand): 5'-ACAGACACCACCCCTGAAGAATTGATGAGCGGGGGCCGGCCCCCATCCTGGGCCTTAATG[C>A]TCAGCGAGTATTTCTGGACATCCTCGAAATCCAAGGGGTTGATCACATCCAGGATCCCGC-3'
Protein context (NP_001365257.1, residues 523-543): DFEDVQKYSL[Ser533Ile]IKAQDGGRPP